The following is an entry in ClinVar:

ClinVar aggregate classification (germline): Pathogenic (1 of 4 stars; one submission).

Conditions:
Familial adenomatous polyposis 1 (FAP1). Also called: FAMILIAL ADENOMATOUS POLYPOSIS 1, ATTENUATED; POLYPOSIS, ADENOMATOUS INTESTINAL. Identifiers: MedGen C2713442, MONDO:0021056, OMIM 175100. Disease mechanism: loss of function.

Submission:

Myriad Genetics, Inc.
Classification: Pathogenic for Familial adenomatous polyposis 1. Last evaluated: 2023-04-27. Review status: criteria provided, single submitter. Criteria: Myriad Autosomal Dominant, Autosomal Recessive and X-Linked Classification Criteria (2023). Collection method: clinical testing. Allele origin: unknown.
Comment: This variant is considered pathogenic. This variant creates a frameshift predicted to result in premature protein truncation.

NM_000038.6(APC):c.620dup (p.Cys207fs)

Gene: APC (APC regulator of Wnt signaling pathway; plus strand). Cytogenetic location: 5q22.2.
Variant type: Duplication.
Coding change: c.620dup on transcript NM_000038.6 (MANE Select); coding-DNA position 620, one base duplicated (G; older notation c.620dupG).
Protein change: p.Cys207fs; shifts the reading frame from cysteine 207.
Molecular consequence: frameshift variant. On other transcripts: 5 prime UTR variant (4), non-coding transcript variant (2).
Genome position (GRCh38, 1-based): chr5:112,780,878, G duplicated. VCF-style (leftmost placement, unchanged base first): chr5-112780877-T-TG. GRCh37 (hg19) VCF-style: chr5-112116574-T-TG.
Other names: c.620dup, p.Cys207fs (NM_001127510.3, NM_001354895.2, NM_001354896.2 and 16 more transcripts); c.650dup, p.Cys217fs (NM_001127511.3, NM_001354897.2, NM_001354902.2 and 1 more transcripts); c.545dup, p.Cys182fs (NM_001354898.2, NM_001354904.2, NM_001407451.1); c.443dup, p.Cys148fs (NM_001354900.2, NM_001354901.2, NM_001354905.2 and 1 more transcripts); c.-416dup (NM_001354906.2, NM_001407470.1, NM_001407471.1 and 1 more transcripts); short protein forms C148fs, C182fs, C207fs, C217fs.
Identifiers: ClinVar variation 2584122 (VCV002584122.1), dbSNP rs2532489726, ClinGen allele CA2582341602.